The following is an entry in ClinVar:

ClinVar aggregate classification (germline): Uncertain significance (1 of 4 stars; one submission).

Conditions:
Proteasome-associated autoinflammatory syndrome 1 (PRAAS1). Also called: AUTOINFLAMMATION, LIPODYSTROPHY, AND DERMATOSIS SYNDROME; NAKAJO-NISHIMURA SYNDROME; CHRONIC ATYPICAL NEUTROPHILIC DERMATOSIS WITH LIPODYSTROPHY AND ELEVATED TEMPERATURE SYNDROME; Nakajo syndrome; JOINT CONTRACTURES, MUSCULAR ATROPHY, MICROCYTIC ANEMIA, AND PANNICULITIS-INDUCED LIPODYSTROPHY; JMP SYNDROME. Identifiers: Orphanet 2615, Orphanet 324977, Orphanet 324999, Orphanet 325004, MedGen C4746851, MONDO:0054698, OMIM 256040.

Allele frequency attached by ClinVar (database versions not stated): ExAC 0.00003; gnomAD exomes 0.00003 and 0.00007; TOPMed 0.00005; gnomAD 0.00007 and 0.00008; ESP Exome Variant Server 0.00012.

Submission:

Labcorp Genetics (formerly Invitae), Labcorp
Classification: Uncertain significance for Proteosome-associated autoinflammatory syndrome. Last evaluated: 2022-07-03. Review status: criteria provided, single submitter. Criteria: Invitae Variant Classification Sherloc (09022015). Collection method: clinical testing. Allele origin: germline.
Comment: This sequence change replaces glycine, which is neutral and non-polar, with aspartic acid, which is acidic and polar, at codon 244 of the PSMB8 protein (p.Gly244Asp). This variant is present in population databases (rs200995701, gnomAD 0.01%). This variant has not been reported in the literature in individuals affected with PSMB8-related conditions. ClinVar contains an entry for this variant (Variation ID: 569029). Algorithms developed to predict the effect of missense changes on protein structure and function (SIFT, PolyPhen-2, Align-GVGD) all suggest that this variant is likely to be disruptive. In summary, the available evidence is currently insufficient to determine the role of this variant in disease. Therefore, it has been classified as a Variant of Uncertain Significance.

NM_148919.4(PSMB8):c.731G>A (p.Gly244Asp)

Gene: PSMB8 (proteasome 20S subunit beta 8; minus strand). Cytogenetic location: 6p21.32.
Variant type: single nucleotide variant.
Coding change: c.731G>A on transcript NM_148919.4 (MANE Select); coding-DNA position 731, G replaced by A.
Protein change: p.Gly244Asp; replaces glycine 244 with aspartic acid.
Molecular consequence: missense variant.
Genome position (GRCh38, 1-based): chr6:32,841,542, C>T on the plus strand (G>A on the coding strand, the complement: PSMB8 is on the minus strand). VCF-style: chr6-32841542-C-T. GRCh37 (hg19) VCF-style: chr6-32809319-C-T.
Other names: c.731G>A, p.Gly244Asp (LRG_1328t1); c.719G>A, p.Gly240Asp (LRG_1328t2, NM_004159.5); short protein forms G244D, G240D.
Identifiers: ClinVar variation 569029 (VCV000569029.4), dbSNP rs200995701, ClinGen allele CA3746307.
Genomic context (GRCh38, chr6:32,841,542, plus strand): 5'-CACCCGCCGACTCCTCCCAGGCATGGTGGTGGGAGCATTGGTCTCTTACTATTGACAACG[C>T]CTCCAGAATAGCTGTCTCTGTGAGTGGCATAAGCAATAGCCCTGCGGCCAAGGTCATAGG-3'
Protein context (NP_683720.2, residues 234-254): YATHRDSYSG[Gly244Asp]VVNMYHMKED